The following is an entry in ClinVar:

ClinVar aggregate classification (germline): Benign (0 of 4 stars; one submission).

Conditions:
MYO9B-related disorder. Also called: MYO9B-related condition.

Allele frequency attached by ClinVar (database versions not stated): ExAC 0.00086; 1000 Genomes Project 0.00160; 1000 Genomes Project 30x 0.00219; gnomAD 0.00255; ESP Exome Variant Server 0.00284; TOPMed 0.00285.
gnomAD v4.1: 830 of 1,612,434 alleles (0.051%); highest among the groups gnomAD compares: African/African-American, 0.86%; 2 homozygotes.

Submission:

PreventionGenetics, part of Exact Sciences
Classification: Benign for MYO9B-related condition. Last evaluated: 2019-11-25. Review status: no assertion criteria provided. Collection method: clinical testing. Allele origin: germline.
Comment: This variant is classified as benign based on ACMG/AMP sequence variant interpretation guidelines (Richards et al. 2015 PMID: 25741868, with internal and published modifications).

NM_004145.4(MYO9B):c.2751C>T (p.Ile917=)

Gene: MYO9B (myosin IXB; plus strand). Cytogenetic location: 19p13.11.
Variant type: single nucleotide variant.
Coding change: c.2751C>T on transcript NM_004145.4 (MANE Select); coding-DNA position 2751, C replaced by T.
Protein change: p.Ile917=; no amino-acid change (isoleucine 917 retained).
Molecular consequence: synonymous variant.
Genome position (GRCh38, 1-based): chr19:17,191,159, C>T. VCF-style: chr19-17191159-C-T. GRCh37 (hg19) VCF-style: chr19-17301968-C-T.
Other names: c.2751C>T, p.Ile917= (NM_001130065.2).
Identifiers: ClinVar variation 3048194 (VCV003048194.2), dbSNP rs75421081, ClinGen allele CA9287713.
Genomic context (GRCh38, chr19:17,191,159, plus strand): 5'-TTTCACCGAGCAGTTCCAGGTGCTCCTGCCCAAGGATGCCCAGCCCTGCAGGGAGGTCAT[C>T]TCCACCCTCCTGGAGAAAATGAAGATAGACAAGAGGAACTACCAGATCGGGAAGACCAAG-3'
Protein context (NP_004136.2, residues 907-927): PKDAQPCREV[Ile917=]STLLEKMKID